The following is an entry in ClinVar:

ClinVar aggregate classification (germline): Uncertain significance. Review status: criteria provided, multiple submitters, no conflicts (2 of 4 stars). 5 submissions from 5 submitters: Uncertain significance (3). 2 of the submissions do not count toward it. Last evaluated 2025-04-10.

Conditions:
RYR1-related disorder. Also called: RYR1-related disorders; RYR1-related condition. Identifiers: MedGen CN239331.
Central core myopathy (CMYO1A). Also called: CONGENITAL MYOPATHY 1A, AUTOSOMAL DOMINANT, WITH SUSCEPTIBILITY TO MALIGNANT HYPERTHERMIA; Central core disease; Myopathy, central fibrillar. Identifiers: Orphanet 597, MedGen C5830701, MONDO:0007294, OMIM 117000.

Allele frequency attached by ClinVar (database versions not stated): gnomAD exomes below 0.00001.
gnomAD v4.1: 2 of 1,614,072 alleles (0.00012%); highest among the groups gnomAD compares: East Asian, 0.0022%; no homozygotes.

Submissions (5):

Women's Health and Genetics/Laboratory Corporation of America, LabCorp
Classification: Uncertain significance. Last evaluated: 2025-04-10. Review status: criteria provided, single submitter. Criteria: LabCorp Variant Classification Summary - May 2015. Collection method: clinical testing. Allele origin: germline.
Comment: Variant summary: RYR1 c.1534G>A (p.Glu512Lys) results in a conservative amino acid change in the encoded protein sequence. Three of four in-silico tools predict a damaging effect of the variant on protein function. The variant was absent in 251494 control chromosomes (gnomAD). The available data on variant occurrences in the general population are insufficient to allow any conclusion about variant significance. c.1534G>A has been observed in individuals affected with clinical features of RYR1-related disorders (Wu_2006, Amburgey_2013, Invernizzi_2023, Jensson_2023). These data do not allow any conclusion about variant significance. To our knowledge, no experimental evidence demonstrating an impact on protein function has been reported. The following publications have been ascertained in the context of this evaluation (PMID: 23919265, 37510298, 37937776, 16621918). ClinVar contains an entry for this variant (Variation ID: 65935). Based on the evidence outlined above, the variant was classified as uncertain significance.

Labcorp Genetics (formerly Invitae), Labcorp
Classification: Uncertain significance for RYR1-related disorder. Last evaluated: 2021-11-30. Review status: criteria provided, single submitter. Criteria: Invitae Variant Classification Sherloc (09022015). Collection method: clinical testing. Allele origin: germline.
Comment: In summary, the available evidence is currently insufficient to determine the role of this variant in disease. Therefore, it has been classified as a Variant of Uncertain Significance. Advanced modeling of protein sequence and biophysical properties (such as structural, functional, and spatial information, amino acid conservation, physicochemical variation, residue mobility, and thermodynamic stability) performed at Invitae indicates that this missense variant is expected to disrupt RYR1 protein function. ClinVar contains an entry for this variant (Variation ID: 65935). This missense change has been observed in individual(s) with clinical features of autosomal recessive RYR1-related conditions (PMID: 16621918). This variant is not present in population databases (gnomAD no frequency). This sequence change replaces glutamic acid, which is acidic and polar, with lysine, which is basic and polar, at codon 512 of the RYR1 protein (p.Glu512Lys).

CeGaT Center for Human Genetics Tuebingen
Classification: Uncertain significance. Last evaluated: 2021-05-01. Review status: criteria provided, single submitter. Criteria: CeGaT Center For Human Genetics Tuebingen Variant Classification Criteria Version 2. Collection method: clinical testing. Allele origin: germline. Affected: yes. Observed: 1 variant allele.

GeneReviews
Classification: Pathogenic for Central Core Disease. Last evaluated: 2010-05-11. Review status: no assertion criteria provided. Collection method: curation. Allele origin: unknown. Not counted in ClinVar's aggregate classification.
ClinVar note: Converted during submission from pathologic to Pathogenic.

RYR1 database
No classification provided. Review status: no classification provided. Collection method: not provided. Allele origin: unknown. Not counted in ClinVar's aggregate classification.

Literature cited by the submitters: PubMed 23919265 (cited by Women's Health and Genetics/Laboratory Corporation of America, LabCorp); PubMed 37510298 (cited by Women's Health and Genetics/Laboratory Corporation of America, LabCorp); PubMed 37937776 (cited by Women's Health and Genetics/Laboratory Corporation of America, LabCorp); PubMed 16621918 (cited by Women's Health and Genetics/Laboratory Corporation of America, LabCorp and Labcorp Genetics (formerly Invitae), Labcorp).

NM_000540.3(RYR1):c.1534G>A (p.Glu512Lys)

Genes: RYR1 (ryanodine receptor 1; plus strand), LOC129391106 (MPRA-validated peak3472 silencer; plus strand). Cytogenetic location: 19q13.2.
Variant type: single nucleotide variant.
Coding change: c.1534G>A on transcript NM_000540.3 (MANE Select); coding-DNA position 1534, G replaced by A.
Protein change: p.Glu512Lys; replaces glutamic acid 512 with lysine.
Molecular consequence: missense variant.
Genome position (GRCh38, 1-based): chr19:38,455,328, G>A. VCF-style: chr19-38455328-G-A. GRCh37 (hg19) VCF-style: chr19-38945968-G-A.
Other names: c.1534G>A, p.Glu512Lys (NM_001042723.2); short protein forms E512K.
Identifiers: ClinVar variation 65935 (VCV000065935.46), dbSNP rs118192119, ClinGen allele CA024284.
Genomic context (GRCh38, chr19:38,455,328, plus strand): 5'-CGCCTAAATGTCTACACCACTGCTGCCCACTTTGCTGAGTTTGCAGGGGAGGAGGCAGCC[G>A]AGTCCTGGAAAGAGATTGTGAATCTTCTCTATGAACTCCTAGGTAGGGGTCCCAGTCCTG-3'
Protein context (NP_000531.2, residues 502-522): FAEFAGEEAA[Glu512Lys]SWKEIVNLLY